The following is an entry in ClinVar:

NM_000228.3(LAMB3):c.1336G>A (p.Glu446Lys)

Gene: LAMB3 (laminin subunit beta 3; minus strand). Cytogenetic location: 1q32.2.
Variant type: single nucleotide variant.
Coding change: c.1336G>A on transcript NM_000228.3 (MANE Select); coding-DNA position 1336, G replaced by A.
Protein change: p.Glu446Lys; replaces glutamic acid 446 with lysine.
Molecular consequence: missense variant.
Genome position (GRCh38, 1-based): chr1:209,627,532, C>T on the plus strand (G>A on the coding strand, the complement: LAMB3 is on the minus strand). VCF-style: chr1-209627532-C-T. GRCh37 (hg19) VCF-style: chr1-209800877-C-T.
Other names: c.1336G>A, p.Glu446Lys (NM_001017402.2, NM_001127641.1); short protein forms E446K.
Identifiers: ClinVar variation 3290016 (VCV003290016.3).

ClinVar aggregate classification (germline): Uncertain significance. Review status: criteria provided, multiple submitters, no conflicts (2 of 4 stars). 2 submissions from 2 submitters: Uncertain significance (2). Last evaluated 2025-01-08.

Conditions:
Inborn genetic diseases. Identifiers: MedGen C0950123, MeSH D030342.

gnomAD v4.1: 20 of 1,613,946 alleles (0.0012%); highest among the groups gnomAD compares: Admixed American, 0.022%; no homozygotes.

Submissions (2):

Labcorp Genetics (formerly Invitae), Labcorp
Classification: Uncertain significance. Last evaluated: 2025-01-08. Review status: criteria provided, single submitter. Criteria: Invitae Variant Classification Sherloc (09022015). Collection method: clinical testing. Allele origin: germline.
Comment: This sequence change replaces glutamic acid, which is acidic and polar, with lysine, which is basic and polar, at codon 446 of the LAMB3 protein (p.Glu446Lys). This variant is present in population databases (rs749069550, gnomAD 0.02%). This variant has not been reported in the literature in individuals affected with LAMB3-related conditions. Invitae Evidence Modeling of protein sequence and biophysical properties (such as structural, functional, and spatial information, amino acid conservation, physicochemical variation, residue mobility, and thermodynamic stability) indicates that this missense variant is not expected to disrupt LAMB3 protein function with a negative predictive value of 80%. In summary, the available evidence is currently insufficient to determine the role of this variant in disease. Therefore, it has been classified as a Variant of Uncertain Significance.

Ambry Genetics
Classification: Uncertain significance for Inborn genetic diseases. Last evaluated: 2024-03-15. Review status: criteria provided, single submitter. Criteria: Ambry Variant Classification Scheme 2023. Collection method: clinical testing. Allele origin: germline.